The following is an entry in ClinVar:

ClinVar aggregate classification (germline): Pathogenic (1 of 4 stars; one submission).

Submission:

Labcorp Genetics (formerly Invitae), Labcorp
Classification: Pathogenic. Last evaluated: 2023-11-22. Review status: criteria provided, single submitter. Criteria: Invitae Variant Classification Sherloc (09022015). Collection method: clinical testing. Allele origin: germline.
Comment: This variant is a gross deletion of the genomic region encompassing exon(s) 6-8 of the POLR3A gene. This variant would be expected to be in-frame, preserving the integrity of the reading frame. A similar copy number variant has been observed in individuals with clinical features of autosomal recessive hypomyelinating leukodystrophy (PMID: 31637490). For these reasons, this variant has been classified as Pathogenic.

Literature cited by the submitters: PubMed 31637490.

NC_000010.10:g.(?_79781284)_(79782162_?)del

Gene: POLR3A (RNA polymerase III subunit A; minus strand). Cytogenetic location: 10q22.3.
Variant type: Deletion.
Identifiers: ClinVar variation 1460249 (VCV001460249.7).